The following is an entry in ClinVar:

NM_000321.3(RB1):c.2566G>A (p.Asp856Asn)

Gene: RB1 (RB transcriptional corepressor 1; plus strand). Cytogenetic location: 13q14.2.
Variant type: single nucleotide variant.
Coding change: c.2566G>A on transcript NM_000321.3 (MANE Select); coding-DNA position 2566, G replaced by A.
Protein change: p.Asp856Asn; replaces aspartic acid 856 with asparagine.
Molecular consequence: missense variant.
Genome position (GRCh38, 1-based): chr13:48,476,746, G>A. VCF-style: chr13-48476746-G-A. GRCh37 (hg19) VCF-style: chr13-49050882-G-A.
Other names: short protein forms D856N.
Identifiers: ClinVar variation 416490 (VCV000416490.35), dbSNP rs149359120, ClinGen allele CA036169.

ClinVar aggregate classification (germline): Conflicting classifications of pathogenicity. Review status: criteria provided, conflicting classifications (1 of 4 stars). 15 submissions from 15 submitters: Uncertain significance (1); Benign (4); Likely benign (9). 1 of the submissions does not count toward it. Last evaluated 2026-09-01.

Conditions:
Retinoblastoma (RB1). Also called: RETINOBLASTOMA, SOMATIC. Identifiers: Orphanet 790, MedGen C0035335, MeSH D012175, MONDO:0008380, OMIM 180200, HP:0009919. Disease mechanism: loss of function. Inheritance: Both sporadic and heritable forms are tested..
RB1-related disorder. Also called: RB1-related condition.
Hereditary retinoblastoma. Identifiers: Orphanet 357027, MedGen C0751483, MONDO:0018160.
B Lymphoblastic Leukemia/Lymphoma, Not Otherwise Specified. Identifiers: MedGen C2698310.
Hereditary cancer-predisposing syndrome. Also called: Hereditary neoplastic syndrome; Neoplastic Syndromes, Hereditary; Hereditary Cancer Syndrome; Tumor predisposition. Identifiers: Orphanet 140162, MedGen C0027672, MeSH D009386, MONDO:0015356.

Allele frequency attached by ClinVar (database versions not stated): ExAC 0.00019; 1000 Genomes Project 0.00020; 1000 Genomes Project 30x 0.00031; ESP Exome Variant Server 0.00038; TOPMed 0.00068; gnomAD 0.00069 and 0.00075.
gnomAD v4.1: 224 of 1,613,402 alleles (0.014%); highest among the groups gnomAD compares: African/African-American, 0.22%; no homozygotes.

Submissions (15):

CeGaT Center for Human Genetics Tuebingen
Classification: Likely benign. Last evaluated: 2026-09-01. Review status: criteria provided, single submitter. Criteria: CeGaT Center For Human Genetics Tuebingen Variant Classification Criteria Version 2. Collection method: clinical testing. Allele origin: germline. Affected: yes. Observed: 2 variant alleles.
Comment: RB1: BS1

Myriad Genetics, Inc.
Classification: Likely benign for Retinoblastoma. Last evaluated: 2026-06-22. Review status: criteria provided, single submitter. Criteria: Myriad Autosomal Dominant, Autosomal Recessive and X-Linked Classification Criteria (2023). Collection method: clinical testing. Allele origin: unknown.
Comment: This variant is considered likely benign. This variant has been observed at a population frequency that is significantly greater than expected given the associated disease prevalence and penetrance.

Labcorp Genetics (formerly Invitae), Labcorp
Classification: Benign for Retinoblastoma. Last evaluated: 2026-01-20. Review status: criteria provided, single submitter. Criteria: Invitae Variant Classification Sherloc (09022015). Collection method: clinical testing. Allele origin: germline.

Ramesar Group, Division of Human Genetics, Institute of Infectious Diseases and Molecular Medicine, UCT/MRC Genomic and Precision Medicine Research Unit, University of Cape Town
Classification: Likely benign for Hereditary retinoblastoma. Last evaluated: 2025-09-17. Review status: criteria provided, single submitter. Criteria: ACMG Guidelines, 2015. Collection method: research. Allele origin: germline. Affected: no.
Comment: BP5 - Variant found in a patient with a different retinal disease; RB1 is not associated with the phenotype BP1 - A missense variant in a gene (RB1) for which primarily truncating variants are known to cause disease

Blueprint Genetics
Classification: Likely benign. Last evaluated: 2024-03-11. Review status: criteria provided, single submitter. Criteria: ACMG Guidelines, 2015. Collection method: clinical testing. Allele origin: germline.

Mendelics
Classification: Benign for Retinoblastoma. Last evaluated: 2023-08-22. Review status: criteria provided, single submitter. Criteria: Mendelics Assertion Criteria 2019. Collection method: clinical testing. Allele origin: germline.

ARUP Laboratories, Molecular Genetics and Genomics, ARUP Laboratories
Classification: Likely benign. Last evaluated: 2023-05-25. Review status: criteria provided, single submitter. Criteria: ARUP Molecular Germline Variant Investigation Process 2024. Collection method: clinical testing. Allele origin: germline.

Color Diagnostics, LLC DBA Color Health
Classification: Benign for Retinoblastoma. Last evaluated: 2022-05-12. Review status: criteria provided, single submitter. Criteria: ACMG Guidelines, 2015. Collection method: clinical testing. Allele origin: germline.

Sema4
Classification: Likely benign for Hereditary cancer-predisposing syndrome. Last evaluated: 2021-08-04. Review status: criteria provided, single submitter. Criteria: Sema4 Curation Guidelines. Collection method: curation. Allele origin: germline.

Genetic Services Laboratory, University of Chicago
Classification: Likely benign. Last evaluated: 2021-06-28. Review status: criteria provided, single submitter. Criteria: ACMG Guidelines, 2015. Collection method: clinical testing. Allele origin: germline. Affected: no.

GeneDx
Classification: Likely benign. Last evaluated: 2019-08-22. Review status: criteria provided, single submitter. Criteria: GeneDx Variant Classification Process June 2021. Collection method: clinical testing. Allele origin: germline. Affected: yes.
Comment: In silico analysis, which includes protein predictors and evolutionary conservation, supports that this variant does not alter protein structure/function; This variant is associated with the following publications: (PMID: 23532519, 22180099)

Ambry Genetics
Classification: Likely benign for Hereditary cancer-predisposing syndrome. Last evaluated: 2018-12-29. Review status: criteria provided, single submitter. Criteria: Ambry Variant Classification Scheme 2023. Collection method: clinical testing. Allele origin: germline.

Illumina Laboratory Services, Illumina
Classification: Benign for Retinoblastoma. Last evaluated: 2018-01-12. Review status: criteria provided, single submitter. Criteria: ICSL Variant Classification Criteria 13 December 2019. Collection method: clinical testing. Allele origin: germline.
Comment: This variant was observed in the ICSL laboratory as part of a predisposition screen in an ostensibly healthy population. It had not been previously curated by ICSL or reported in the Human Gene Mutation Database (HGMD: prior to June 1st, 2018), and was therefore a candidate for classification through an automated scoring system. Utilizing variant allele frequency, disease prevalence and penetrance estimates, and inheritance mode, an automated score was calculated to assess if this variant is too frequent to cause the disease. Based on the score and internal cut-off values, a variant classified as benign is not then subjected to further curation. The score for this variant resulted in a classification of benign for this disease.

St. Jude Molecular Pathology, St. Jude Children's Research Hospital
Classification: Uncertain significance for B Lymphoblastic Leukemia/Lymphoma, Not Otherwise Specified. Last evaluated: 2016-04-11. Review status: criteria provided, single submitter. Criteria: ACMG Guidelines, 2015. Collection method: clinical testing. Allele origin: germline. Affected: yes.

PreventionGenetics, part of Exact Sciences
Classification: Likely benign for RB1-related condition. Last evaluated: 2022-08-26. Review status: no assertion criteria provided. Collection method: clinical testing. Allele origin: germline. Not counted in ClinVar's aggregate classification.
Comment: This variant is classified as likely benign based on ACMG/AMP sequence variant interpretation guidelines (Richards et al. 2015 PMID: 25741868, with internal and published modifications).